The following is an entry in ClinVar:

NM_000397.4(CYBB):c.620A>G (p.Tyr207Cys)

Gene: CYBB (cytochrome b-245 beta chain; plus strand). Cytogenetic location: Xp21.1.
Variant type: single nucleotide variant.
Coding change: c.620A>G on transcript NM_000397.4 (MANE Select); coding-DNA position 620, A replaced by G.
Protein change: p.Tyr207Cys; replaces tyrosine 207 with cysteine.
Molecular consequence: missense variant.
Genome position (GRCh38, 1-based): chrX:37,796,087, A>G. VCF-style: chrX-37796087-A-G. GRCh37 (hg19) VCF-style: chrX-37655340-A-G.
Other names: short protein forms Y207C.
Identifiers: ClinVar variation 2765307 (VCV002765307.3), dbSNP rs2519202077, ClinGen allele CA412976304.

ClinVar aggregate classification (germline): Uncertain significance (1 of 4 stars; one submission).

Conditions:
Granulomatous disease, chronic, X-linked. Also called: CYTOCHROME b-NEGATIVE GRANULOMATOUS DISEASE, CHRONIC, X-LINKED; GRANULOMATOUS DISEASE, CHRONIC, X-LINKED, SOMATIC MOSAIC. Identifiers: Orphanet 379, MedGen C1844376, MONDO:0010600, OMIM 306400.

Submission:

Labcorp Genetics (formerly Invitae), Labcorp
Classification: Uncertain significance for Granulomatous disease, chronic, X-linked. Last evaluated: 2023-10-04. Review status: criteria provided, single submitter. Criteria: Invitae Variant Classification Sherloc (09022015). Collection method: clinical testing. Allele origin: germline.
Comment: This sequence change replaces tyrosine, which is neutral and polar, with cysteine, which is neutral and slightly polar, at codon 207 of the CYBB protein (p.Tyr207Cys). This variant is not present in population databases (gnomAD no frequency). This variant has not been reported in the literature in individuals affected with CYBB-related conditions. Advanced modeling of protein sequence and biophysical properties (such as structural, functional, and spatial information, amino acid conservation, physicochemical variation, residue mobility, and thermodynamic stability) has been performed at Invitae for this missense variant, however the output from this modeling did not meet the statistical confidence thresholds required to predict the impact of this variant on CYBB protein function. In summary, the available evidence is currently insufficient to determine the role of this variant in disease. Therefore, it has been classified as a Variant of Uncertain Significance.